The following is an entry in ClinVar:

NM_003001.5(SDHC):c.6T>C (p.Ala2=)

Gene: SDHC (succinate dehydrogenase complex subunit C; plus strand). Cytogenetic location: 1q23.3.
Variant type: single nucleotide variant.
Coding change: c.6T>C on transcript NM_003001.5 (MANE Select); coding-DNA position 6, T replaced by C.
Protein change: p.Ala2=; no amino-acid change (alanine 2 retained).
Molecular consequence: synonymous variant. On other transcripts: 5 prime UTR variant (2), non-coding transcript variant (1).
Genome position (GRCh38, 1-based): chr1:161,314,411, T>C. VCF-style: chr1-161314411-T-C. GRCh37 (hg19) VCF-style: chr1-161284201-T-C.
Other names: c.6T>C, p.Ala2= (NM_001035511.3, NM_001035512.3, NM_001035513.3 and 6 more transcripts); c.-555T>C (NM_001407119.1); c.-224T>C (NM_001407120.1).
Identifiers: ClinVar variation 220994 (VCV000220994.19), dbSNP rs775353334, ClinGen allele CA350492.

ClinVar aggregate classification (germline): Benign/Likely benign. Review status: criteria provided, multiple submitters, no conflicts (2 of 4 stars). 4 submissions from 4 submitters: Benign (1); Likely benign (3). Last evaluated 2026-01-16.

Conditions:
Pheochromocytoma/paraganglioma syndrome 3. Also called: GLOMUS TUMORS, FAMILIAL, 3; SDHC-Related Hereditary Paraganglioma-Pheochromocytoma Syndrome (Paragangliomas 3); SDHC-Related Hereditary Paraganglioma-Pheochromocytoma Syndrome; Paragangliomas 3. Identifiers: Orphanet 29072, MedGen C1854336, MONDO:0011544, OMIM 605373.
Gastrointestinal stromal tumor. Also called: Gastrointestinal stromal tumor, somatic; Gastrointestinal stroma tumor. Identifiers: Orphanet 44890, MedGen C0238198, MeSH D046152, MONDO:0011719, OMIM 606764, HP:0100723.
Hereditary pheochromocytoma and paraganglioma. Also called: Hereditary Paraganglioma-Pheochromocytoma Syndromes; Hereditary paragangliomas and pheochromocytomas; Hereditary pheochromocytoma-paraganglioma. Identifiers: Orphanet 29072, MedGen C4274332, MONDO:0017366.
Hereditary cancer-predisposing syndrome. Also called: Tumor predisposition; Hereditary Cancer Syndrome; Hereditary neoplastic syndrome; Neoplastic Syndromes, Hereditary. Identifiers: Orphanet 140162, MedGen C0027672, MeSH D009386, MONDO:0015356.

gnomAD v4.1: 6 of 1,613,326 alleles (0.00037%); highest among the groups gnomAD compares: Non-Finnish European, 0.00051%; no homozygotes.

Submissions (4):

Labcorp Genetics (formerly Invitae), Labcorp
Classification: Likely benign for Pheochromocytoma/paraganglioma syndrome 3; Gastrointestinal stromal tumor. Last evaluated: 2026-01-16. Review status: criteria provided, single submitter. Criteria: Invitae Variant Classification Sherloc (09022015). Collection method: clinical testing. Allele origin: germline.

Myriad Genetics, Inc.
Classification: Benign for Pheochromocytoma/paraganglioma syndrome 3. Last evaluated: 2025-03-13. Review status: criteria provided, single submitter. Criteria: Myriad Autosomal Dominant, Autosomal Recessive and X-Linked Classification Criteria (2023). Collection method: clinical testing. Allele origin: unknown.
Comment: This variant is considered benign. This variant is a silent/synonymous amino acid change and it is not expected to impact splicing.

All of Us Research Program, National Institutes of Health
Classification: Likely benign for Hereditary pheochromocytoma and paraganglioma. Last evaluated: 2023-12-18. Review status: criteria provided, single submitter. Criteria: ACMG Guidelines, 2015. Collection method: clinical testing. Allele origin: germline. Inheritance: Autosomal dominant inheritance. Observed: 1 variant allele, 1 heterozygote.
Comment: This study involves interpretation of variants in research participants for the purpose of population health screening. Participant phenotype was not available at the time of variant classification. Additional details can be found in publication PMID: 35346344, PMCID: PMC8962531

Ambry Genetics
Classification: Likely benign for Hereditary cancer-predisposing syndrome. Last evaluated: 2018-05-29. Review status: criteria provided, single submitter. Criteria: Ambry Variant Classification Scheme 2023. Collection method: clinical testing. Allele origin: germline.